The following is an entry in ClinVar:

NM_025081.3(NYNRIN):c.5254T>C (p.Ser1752Pro)

Gene: NYNRIN (NYN domain and retroviral integrase containing; plus strand). Cytogenetic location: 14q12.
Variant type: single nucleotide variant.
Coding change: c.5254T>C on transcript NM_025081.3 (MANE Select); coding-DNA position 5254, T replaced by C.
Protein change: p.Ser1752Pro; replaces serine 1752 with proline.
Molecular consequence: missense variant.
Genome position (GRCh38, 1-based): chr14:24,417,003, T>C. VCF-style: chr14-24417003-T-C. GRCh37 (hg19) VCF-style: chr14-24886209-T-C.
Other names: short protein forms S1752P.
Identifiers: ClinVar variation 3729476 (VCV003729476.2).
Genomic context (GRCh38, chr14:24,417,003, plus strand): 5'-CTGCATGGGAAGAAGTGGGCGGCCTCCCTGCCTTTGCTGCACCTGGCCTTCAGGGCCTCC[T>C]CCACTGATGCCACACCGTTCAAGGTCCTGACCGGGGGTGAGTCAAGGCTCACGGAGCCCC-3'
Protein context (NP_079357.2, residues 1742-1762): PLLHLAFRAS[Ser1752Pro]TDATPFKVLT

ClinVar aggregate classification (germline): Uncertain significance (1 of 4 stars; one submission).

gnomAD v4.1: 1 of 1,591,928 alleles (0.000063%); highest among the groups gnomAD compares: Admixed American, 0.0017%; no homozygotes.

Submission:

Labcorp Genetics (formerly Invitae), Labcorp
Classification: Uncertain significance. Last evaluated: 2025-01-23. Review status: criteria provided, single submitter. Criteria: Invitae Variant Classification Sherloc (09022015). Collection method: clinical testing. Allele origin: germline.
Comment: This sequence change replaces serine, which is neutral and polar, with proline, which is neutral and non-polar, at codon 1752 of the NYNRIN protein (p.Ser1752Pro). This variant is not present in population databases (gnomAD no frequency). This variant has not been reported in the literature in individuals affected with NYNRIN-related conditions. Experimental studies and prediction algorithms are not available or were not evaluated, and the functional significance of this variant is currently unknown. In summary, the available evidence is currently insufficient to determine the role of this variant in disease. Therefore, it has been classified as a Variant of Uncertain Significance.